The following is an entry in ClinVar:

NM_005228.5(EGFR):c.1030G>A (p.Glu344Lys)

Genes: EGFR (epidermal growth factor receptor; plus strand), LOC126860048 (P300/CBP strongly-dependent group 1 enhancer GRCh37_chr7:55223847-55225046; plus strand). Cytogenetic location: 7p11.2.
Variant type: single nucleotide variant.
Coding change: c.1030G>A on transcript NM_005228.5 (MANE Select); coding-DNA position 1030, G replaced by A.
Protein change: p.Glu344Lys; replaces glutamic acid 344 with lysine.
Molecular consequence: missense variant.
Genome position (GRCh38, 1-based): chr7:55,156,556, G>A. VCF-style: chr7-55156556-G-A. GRCh37 (hg19) VCF-style: chr7-55224249-G-A.
Other names: c.895G>A, p.Glu299Lys (NM_001346897.2, NM_001346899.2); c.1030G>A, p.Glu344Lys (NM_001346898.2, NM_201282.2, NM_201283.2 and 1 more transcripts); c.871G>A, p.Glu291Lys (NM_001346900.2); c.229G>A, p.Glu77Lys (NM_001346941.2); short protein forms E299K, E344K, E291K, E77K.
Identifiers: ClinVar variation 2776343 (VCV002776343.4), dbSNP rs1785427944, ClinGen allele CA367578234.

ClinVar aggregate classification (germline): Uncertain significance. Review status: criteria provided, multiple submitters, no conflicts (2 of 4 stars). 2 submissions from 2 submitters: Uncertain significance (2). Last evaluated 2025-08-01.

Conditions:
Hereditary cancer-predisposing syndrome. Also called: Neoplastic Syndromes, Hereditary; Tumor predisposition; Hereditary Cancer Syndrome; Hereditary neoplastic syndrome. Identifiers: Orphanet 140162, MedGen C0027672, MeSH D009386, MONDO:0015356.
EGFR-related lung cancer (EGFR). Identifiers: MedGen CN130014.

Allele frequency attached by ClinVar (database versions not stated): gnomAD exomes below 0.00001.

Submissions (2):

Ambry Genetics
Classification: Uncertain significance for Hereditary cancer-predisposing syndrome. Last evaluated: 2025-08-01. Review status: criteria provided, single submitter. Criteria: Ambry Variant Classification Scheme 2023. Collection method: clinical testing. Allele origin: germline.
Comment: The p.E344K variant (also known as c.1030G>A), located in coding exon 9 of the EGFR gene, results from a G to A substitution at nucleotide position 1030. The glutamic acid at codon 344 is replaced by lysine, an amino acid with similar properties. This amino acid position is conserved. In addition, this alteration is predicted to be tolerated by in silico analysis. Based on the available evidence, the clinical significance of this variant remains unclear.

Labcorp Genetics (formerly Invitae), Labcorp
Classification: Uncertain significance for EGFR-related lung cancer. Last evaluated: 2024-07-19. Review status: criteria provided, single submitter. Criteria: Invitae Variant Classification Sherloc (09022015). Collection method: clinical testing. Allele origin: germline.
Comment: This sequence change replaces glutamic acid, which is acidic and polar, with lysine, which is basic and polar, at codon 344 of the EGFR protein (p.Glu344Lys). This variant is not present in population databases (gnomAD no frequency). This variant has not been reported in the literature in individuals affected with EGFR-related conditions. Advanced modeling of protein sequence and biophysical properties (such as structural, functional, and spatial information, amino acid conservation, physicochemical variation, residue mobility, and thermodynamic stability) performed at Invitae indicates that this missense variant is not expected to disrupt EGFR protein function with a negative predictive value of 80%. Algorithms developed to predict the effect of sequence changes on RNA splicing suggest that this variant may disrupt the consensus splice site. In summary, the available evidence is currently insufficient to determine the role of this variant in disease. Therefore, it has been classified as a Variant of Uncertain Significance.